The following is an entry in ClinVar:

ClinVar aggregate classification (germline): Uncertain significance (1 of 4 stars; one submission).

Conditions:
Eichsfeld type congenital muscular dystrophy (CMYO3). Also called: Rigid spine muscular dystrophy 1; MYOPATHY, SEPN1-RELATED; SELENON-related myopathy; Congenital myopathy 3 with rigid spine. Identifiers: MedGen C0410180, MONDO:0100100, OMIM 602771.

Submission:

Labcorp Genetics (formerly Invitae), Labcorp
Classification: Uncertain significance for Eichsfeld type congenital muscular dystrophy. Last evaluated: 2024-02-24. Review status: criteria provided, single submitter. Criteria: Invitae Variant Classification Sherloc (09022015). Collection method: clinical testing. Allele origin: germline.
Comment: This sequence change replaces histidine, which is basic and polar, with glutamine, which is neutral and polar, at codon 508 of the SELENON protein (p.His508Gln). This variant is not present in population databases (gnomAD no frequency). This variant has not been reported in the literature in individuals affected with SELENON-related conditions. ClinVar contains an entry for this variant (Variation ID: 962404). Advanced modeling of protein sequence and biophysical properties (such as structural, functional, and spatial information, amino acid conservation, physicochemical variation, residue mobility, and thermodynamic stability) performed at Invitae indicates that this missense variant is not expected to disrupt SELENON protein function with a negative predictive value of 95%. In summary, the available evidence is currently insufficient to determine the role of this variant in disease. Therefore, it has been classified as a Variant of Uncertain Significance.

NM_206926.2(SELENON):c.1422C>A (p.His474Gln)

Gene: SELENON (selenoprotein N; plus strand). Cytogenetic location: 1p36.11.
Variant type: single nucleotide variant.
Coding change: c.1422C>A on transcript NM_206926.2 (MANE Select); coding-DNA position 1422, C replaced by A.
Protein change: p.His474Gln; replaces histidine 474 with glutamine.
Molecular consequence: missense variant.
Genome position (GRCh38, 1-based): chr1:25,814,100, C>A. VCF-style: chr1-25814100-C-A. GRCh37 (hg19) VCF-style: chr1-26140591-C-A.
Other names: c.1524C>A, p.His508Gln (NM_020451.3); short protein forms H508Q, H474Q.
Identifiers: ClinVar variation 962404 (VCV000962404.8), dbSNP rs1198379415, ClinGen allele CA339119814.